The following is an entry in ClinVar:

NM_001122630.2(CDKN1C):c.614del (p.Pro205fs)

Gene: CDKN1C (cyclin dependent kinase inhibitor 1C; minus strand). Cytogenetic location: 11p15.4.
Variant type: Deletion.
Coding change: c.614del on transcript NM_001122630.2 (MANE Select); coding-DNA position 614, one base deleted (C; older notation c.614delC).
Protein change: p.Pro205fs; shifts the reading frame from proline 205.
Molecular consequence: frameshift variant. On other transcripts: intron variant (1).
Genome position (GRCh38, 1-based): chr11:2,884,843, G deleted on the plus strand (C on the coding strand, the reverse complement: CDKN1C is on the minus strand); the first of 4 consecutive G bases (chr11:2,884,843-2,884,846); deleting any one gives the same sequence. VCF-style (leftmost placement, unchanged base first): chr11-2884842-CG-C. GRCh37 (hg19) VCF-style: chr11-2906072-CG-C.
Other names: c.647del, p.Pro216fs (NM_001362474.2, NM_000076.2, LRG_533t1); c.255+359del (NM_001362475.2); c.614del, p.Pro205fs (NM_001122631.2); c.647delC (NM_000076.2); short protein forms P205fs, P216fs.
Identifiers: ClinVar variation 565906 (VCV000565906.6), dbSNP rs1564929584, ClinGen allele CA891842859.

ClinVar aggregate classification (germline): Pathogenic (1 of 4 stars; one submission).

Conditions:
Beckwith-Wiedemann syndrome (BWS). Also called: Exomphalos macroglossia gigantism syndrome; EMG SYNDROME. Identifiers: Orphanet 116, MedGen C0004903, MONDO:0007534, OMIM 130650.

Submission:

Labcorp Genetics (formerly Invitae), Labcorp
Classification: Pathogenic for Beckwith-Wiedemann syndrome. Last evaluated: 2018-02-15. Review status: criteria provided, single submitter. Criteria: Invitae Variant Classification Sherloc (09022015). Collection method: clinical testing. Allele origin: germline.
Comment: For these reasons, this variant has been classified as Pathogenic. Loss-of-function variants in CDKN1C are known to be pathogenic (PMID: 20503313). This variant has not been reported in the literature in individuals with CDKN1C-related disease. While this variant is not present in population databases, the frequency information is unreliable, as metrics indicate poor data quality at this position in the ExAC database. This sequence change creates a premature translational stop signal (p.Pro216Argfs*56) in the CDKN1C gene. It is expected to result in an absent or disrupted protein product.

Literature cited by the submitters: PubMed 20503313.